The following is an entry in ClinVar:

ClinVar aggregate classification (germline): Likely pathogenic (1 of 4 stars; one submission).

Conditions:
Polycystic kidney disease, adult type (PKD1). Also called: POLYCYSTIC KIDNEY DISEASE, ADULT, TYPE I; Polycystic Kidney Disease 1, Autosomal Dominant; Polycystic kidney disease 1; Polycystic kidney disease 1, severe; Polycystic Kidney, Autosomal Dominant; POLYCYSTIC KIDNEY DISEASE 1 WITH OR WITHOUT POLYCYSTIC LIVER DISEASE. Identifiers: MedGen C3149841, MONDO:0008263, OMIM 173900.

Submission:

Molecular Genetics Laboratory, Motol Hospital
Classification: Likely pathogenic for Polycystic kidney disease, adult type. Last evaluated: 2024-11-07. Review status: criteria provided, single submitter. Criteria: ACMG Guidelines, 2015. Collection method: clinical testing. Allele origin: germline. Affected: yes. Observed: 1 variant allele.
Comment: The segregation molecular genetic analysis in her parents was not performed. The relevant medical/scientific publications report on pathogenic PKD1 gene variants as a molecular cause of polycystic kidney disease 1 (PMID:10655152;8320707;2215575). This novel variant correlates with the clinical manifestation of PKD1. To conclude, the variant is classified as likely pathogenic (ACMG PVS1, PM2).

Literature cited by the submitters: PubMed 10655152; PubMed 8320707; PubMed 2215575.

NM_001009944.3(PKD1):c.1830C>G (p.Tyr610Ter)

Gene: PKD1 (polycystin 1, transient receptor potential channel interacting; minus strand). Cytogenetic location: 16p13.3.
Variant type: single nucleotide variant.
Coding change: c.1830C>G on transcript NM_001009944.3 (MANE Select); coding-DNA position 1830, C replaced by G.
Protein change: p.Tyr610Ter; replaces tyrosine 610 with a stop codon.
Molecular consequence: nonsense.
Genome position (GRCh38, 1-based): chr16:2,116,011, G>C on the plus strand (C>G on the coding strand, the complement: PKD1 is on the minus strand). VCF-style: chr16-2116011-G-C. GRCh37 (hg19) VCF-style: chr16-2166012-G-C.
Other names: c.1830C>G, p.Tyr610Ter (NM_000296.4); short protein forms Y610*.
Identifiers: ClinVar variation 3374738 (VCV003374738.2).
Genomic context (GRCh38, chr16:2,116,011, plus strand): 5'-TGCGGCGCCCACCACCCACCACCCACCACCCAGAGTCCCACCTGCTGTGCTGAGGAGCCG[G>C]TACACCTGCAGCCGCAGCTGGGCGGGCCGCCGGAGCTCCTGGGTCCCAAATTCGGCCGTG-3'